The following is an entry in ClinVar:

NM_001356.5(DDX3X):c.309T>A (p.Asp103Glu)

Gene: DDX3X (DEAD-box helicase 3 X-linked; plus strand). Cytogenetic location: Xp11.4.
Variant type: single nucleotide variant.
Coding change: c.309T>A on transcript NM_001356.5 (MANE Select); coding-DNA position 309, T replaced by A.
Protein change: p.Asp103Glu; replaces aspartic acid 103 with glutamic acid.
Molecular consequence: missense variant. On other transcripts: 5 prime UTR variant (1), non-coding transcript variant (1).
Genome position (GRCh38, 1-based): chrX:41,342,519, T>A. VCF-style: chrX-41342519-T-A. GRCh37 (hg19) VCF-style: chrX-41201772-T-A.
Other names: c.309T>A, p.Asp103Glu (NM_001193416.3); c.261T>A, p.Asp87Glu (NM_001193417.3); c.-250T>A (NM_001363819.1); short protein forms D87E, D103E.
Identifiers: ClinVar variation 3655459 (VCV003655459.2).

ClinVar aggregate classification (germline): Uncertain significance (1 of 4 stars; one submission).

Submission:

Labcorp Genetics (formerly Invitae), Labcorp
Classification: Uncertain significance. Last evaluated: 2024-06-04. Review status: criteria provided, single submitter. Criteria: Invitae Variant Classification Sherloc (09022015). Collection method: clinical testing. Allele origin: germline.
Comment: This sequence change replaces aspartic acid, which is acidic and polar, with glutamic acid, which is acidic and polar, at codon 103 of the DDX3X protein (p.Asp103Glu). This variant is not present in population databases (gnomAD no frequency). This variant has not been reported in the literature in individuals affected with DDX3X-related conditions. Experimental studies and prediction algorithms are not available or were not evaluated, and the functional significance of this variant is currently unknown. In summary, the available evidence is currently insufficient to determine the role of this variant in disease. Therefore, it has been classified as a Variant of Uncertain Significance.